The following is an entry in ClinVar:

ClinVar aggregate classification (germline): Uncertain significance (1 of 4 stars; one submission).

Conditions:
DICER1-related tumor predisposition. Also called: DICER1 syndrome; DICER1-related pleuropulmonary blastoma cancer predisposition syndrome. Identifiers: Orphanet 284343, MedGen C3839822, MONDO:0100216.

Submission:

Labcorp Genetics (formerly Invitae), Labcorp
Classification: Uncertain significance for DICER1-related tumor predisposition. Last evaluated: 2024-02-15. Review status: criteria provided, single submitter. Criteria: Invitae Variant Classification Sherloc (09022015). Collection method: clinical testing. Allele origin: germline.
Comment: This sequence change replaces proline, which is neutral and non-polar, with arginine, which is basic and polar, at codon 1592 of the DICER1 protein (p.Pro1592Arg). This variant is not present in population databases (gnomAD no frequency). This variant has not been reported in the literature in individuals affected with DICER1-related conditions. Advanced modeling of protein sequence and biophysical properties (such as structural, functional, and spatial information, amino acid conservation, physicochemical variation, residue mobility, and thermodynamic stability) performed at Invitae indicates that this missense variant is expected to disrupt DICER1 protein function with a positive predictive value of 80%. In summary, the available evidence is currently insufficient to determine the role of this variant in disease. Therefore, it has been classified as a Variant of Uncertain Significance.

NM_177438.3(DICER1):c.4775C>G (p.Pro1592Arg)

Gene: DICER1 (dicer 1, ribonuclease III; minus strand). Cytogenetic location: 14q32.13.
Variant type: single nucleotide variant.
Coding change: c.4775C>G on transcript NM_177438.3 (MANE Select); coding-DNA position 4775, C replaced by G.
Protein change: p.Pro1592Arg; replaces proline 1592 with arginine.
Molecular consequence: missense variant. On other transcripts: non-coding transcript variant (6).
Genome position (GRCh38, 1-based): chr14:95,096,145, G>C on the plus strand (C>G on the coding strand, the complement: DICER1 is on the minus strand). VCF-style: chr14-95096145-G-C. GRCh37 (hg19) VCF-style: chr14-95562482-G-C.
Other names: c.4775C>G, p.Pro1592Arg (NM_001195573.1, NM_001271282.3, NM_001291628.2 and 12 more transcripts); c.4493C>G, p.Pro1498Arg (NM_001395686.1); c.4370C>G, p.Pro1457Arg (NM_001395687.1, NM_001395688.1, NM_001395689.1 and 2 more transcripts); c.4208C>G, p.Pro1403Arg (NM_001395691.1); c.3092C>G, p.Pro1031Arg (NM_001395697.1); short protein forms P1031R, P1403R, P1457R, P1498R, P1592R.
Identifiers: ClinVar variation 3606746 (VCV003606746.2).